The following is an entry in ClinVar:

NM_003982.4(SLC7A7):c.642del (p.Phe214fs)

Gene: SLC7A7 (solute carrier family 7 member 7; minus strand). Cytogenetic location: 14q11.2.
Variant type: Deletion.
Coding change: c.642del on transcript NM_003982.4 (MANE Select); coding-DNA position 642, one base deleted (T; older notation c.642delT).
Protein change: p.Phe214fs; shifts the reading frame from phenylalanine 214.
Molecular consequence: frameshift variant.
Genome position (GRCh38, 1-based): chr14:22,778,921, A deleted on the plus strand (T on the coding strand, the reverse complement: SLC7A7 is on the minus strand); the first of 4 consecutive A bases (chr14:22,778,921-22,778,924); deleting any one gives the same sequence. VCF-style (leftmost placement, unchanged base first): chr14-22778920-CA-C. GRCh37 (hg19) VCF-style: chr14-23248129-CA-C.
Other names: c.642del, p.Phe214fs (NM_001126105.3, NM_001126106.4); c.639delT, p.Phe214Leufs (NM_001126106.2); short protein forms F214fs.
Identifiers: ClinVar variation 4814593 (VCV004814593.1).
Genomic context (GRCh38, chr14:22,778,920, plus strand): 5'-CTGAGTACAGTGCCAGGGCAATGTCACCCACTGCAAATGATGAACCCTCAAAGGAATTCT[CA>C]AAATGAGTAGAGGCTCCTGGAACCCAAGAACATTGGAAGGCAGGGGATTAGTGGCTCATT-3'

ClinVar aggregate classification (germline): Likely pathogenic (1 of 4 stars; one submission).

Conditions:
Lysinuric protein intolerance (LPI). Identifiers: Orphanet 470, MedGen C0268647, MONDO:0009109, OMIM 222700.

Submission:

Natera, Inc.
Classification: Likely pathogenic for Lysinuric protein intolerance. Last evaluated: 2024-06-25. Review status: criteria provided, single submitter. Criteria: Natera Variant Classification Schema (03/2026). Collection method: clinical testing. Allele origin: germline.
Comment: The c.642del variant in SLC7A7 is a frameshift variant predicted to shift the reading frame beginning at codon 214 and leads to a stop codon 63 codons downstream. This variant is expected to result in nonsense mediated decay, truncation, or a dysfunctional protein product. This variant is rare in the general population with a frequency below the threshold expected for the associated phenotype(s). Given the available evidence, this variant is classified as Likely Pathogenic.